The following is an entry in ClinVar:

ClinVar aggregate classification (germline): Uncertain significance (1 of 4 stars; one submission).

Submission:

GeneDx
Classification: Uncertain significance. Last evaluated: 2024-05-30. Review status: criteria provided, single submitter. Criteria: GeneDx Variant Classification Process June 2021. Collection method: clinical testing. Allele origin: germline. Affected: yes.
Comment: Not observed at significant frequency in large population cohorts (gnomAD); In silico analysis supports that this missense variant has a deleterious effect on protein structure/function; Has not been previously published as pathogenic or benign to our knowledge

NM_001010874.5(TECRL):c.229G>T (p.Asp77Tyr)

Gene: TECRL (trans-2,3-enoyl-CoA reductase like; minus strand). Cytogenetic location: 4q13.1.
Variant type: single nucleotide variant.
Coding change: c.229G>T on transcript NM_001010874.5 (MANE Select); coding-DNA position 229, G replaced by T.
Protein change: p.Asp77Tyr; replaces aspartic acid 77 with tyrosine.
Molecular consequence: missense variant.
Genome position (GRCh38, 1-based): chr4:64,409,123, C>A on the plus strand (G>T on the coding strand, the complement: TECRL is on the minus strand). VCF-style: chr4-64409123-C-A. GRCh37 (hg19) VCF-style: chr4-65274841-C-A.
Other names: c.229G>T, p.Asp77Tyr (NM_001363796.1); short protein forms D77Y.
Identifiers: ClinVar variation 3383460 (VCV003383460.1).
Genomic context (GRCh38, chr4:64,409,123, plus strand): 5'-GGGCAGAGAAGAAACACTTAAACAAACAAACAAATAAATAAATAAATAAACTCACCTTAT[C>A]CAGAATACATATCTGTTTCCTTGTTTGAGCATCAAATATTTCAATCTCAAAGTGAGTCGT-3'
Protein context (NP_001010874.2, residues 67-87): AQTRKQICIL[Asp77Tyr]KVTQSSTIHD